The following is an entry in ClinVar:

NM_130837.3(OPA1):c.611-19T>C

Genes: OPA1 (OPA1 mitochondrial dynamin like GTPase; plus strand), OPA1-AS1 (OPA1 antisense RNA 1; minus strand). Cytogenetic location: 3q29.
Variant type: single nucleotide variant.
Coding change: c.611-19T>C on transcript NM_130837.3 (MANE Select); 19 bases into the intron before coding-DNA position 611, T replaced by C.
Molecular consequence: intron variant. On other transcripts: non-coding transcript variant (1).
Genome position (GRCh38, 1-based): chr3:193,618,850, T>C. VCF-style: chr3-193618850-T-C. GRCh37 (hg19) VCF-style: chr3-193336639-T-C.
Other names: p.?; c.185-19T>C (NM_001354664.2); c.77-19T>C (NM_001354663.2); c.611-19T>C (NM_130834.3); c.557-19T>C (NM_130836.3, NM_015560.3); c.503-19T>C (NM_130835.3, NM_130832.3); c.449-19T>C (NM_130833.3, NM_130831.3).
Identifiers: ClinVar variation 95728 (VCV000095728.15), dbSNP rs3772393, ClinGen allele CA285738.

ClinVar aggregate classification (germline): Benign. Review status: criteria provided, multiple submitters, no conflicts (2 of 4 stars). 7 submissions from 7 submitters: Benign (7). Last evaluated 2026-02-04.

Allele frequency attached by ClinVar (database versions not stated): 1000 Genomes Project 30x 0.38991; 1000 Genomes Project 0.39237; TOPMed 0.42266; ExAC 0.42302; ESP Exome Variant Server 0.42665.
gnomAD v4.1: 683,746 of 1,593,068 alleles (43%); highest among the groups gnomAD compares: Non-Finnish European, 43%; 149,138 homozygotes.

Submissions (7):

Labcorp Genetics (formerly Invitae), Labcorp
Classification: Benign. Last evaluated: 2026-02-04. Review status: criteria provided, single submitter. Criteria: Invitae Variant Classification Sherloc (09022015). Collection method: clinical testing. Allele origin: germline.

Blueprint Genetics
Classification: Benign. Last evaluated: 2024-11-27. Review status: criteria provided, single submitter. Criteria: ACMG Guidelines, 2015. Collection method: clinical testing. Allele origin: germline.

Mayo Clinic Laboratories, Mayo Clinic
Classification: Benign. Last evaluated: 2022-04-26. Review status: criteria provided, single submitter. Criteria: ACMG Guidelines, 2015. Collection method: clinical testing. Allele origin: germline. Observed: 41 variant alleles.

Eurofins Ntd Llc (ga)
Classification: Benign. Last evaluated: 2015-12-23. Review status: criteria provided, single submitter. Criteria: EGL Classification Definitions 2015. Collection method: clinical testing. Allele origin: germline. Observed: 251 variant alleles, 180 heterozygotes, 71 homozygotes.

GeneDx
Classification: Benign. Last evaluated: 2011-07-01. Review status: criteria provided, single submitter. Criteria: GeneDx Variant Classification (06012015). Collection method: clinical testing. Allele origin: germline. Affected: yes.
Comment: This variant is considered likely benign or benign based on one or more of the following criteria: it is a conservative change, it occurs at a poorly conserved position in the protein, it is predicted to be benign by multiple in silico algorithms, and/or has population frequency not consistent with disease.

Breakthrough Genomics
Classification: Benign. Review status: criteria provided, single submitter. Criteria: ACMG Guidelines, 2015. Collection method: not provided. Allele origin: germline. Inheritance: Autosomal recessive inheritance. Affected: yes.

PreventionGenetics, part of Exact Sciences
Classification: Benign. Review status: criteria provided, single submitter. Criteria: ACMG Guidelines, 2015. Collection method: clinical testing. Allele origin: germline.